The following is an entry in ClinVar:

ClinVar aggregate classification (germline): Uncertain significance. Review status: criteria provided, multiple submitters, no conflicts (2 of 4 stars). 3 submissions from 3 submitters: Uncertain significance (3). Last evaluated 2024-07-21.

Conditions:
Neonatal-onset encephalopathy with rigidity and seizures. Also called: Lethal neonatal spasticity-epileptic encephalopathy syndrome. Identifiers: Orphanet 435845, MedGen C3281029, MONDO:0013784, OMIM 614498.
Inborn genetic diseases. Identifiers: MedGen C0950123, MeSH D030342.

Allele frequency attached by ClinVar (database versions not stated): ExAC 0.00001; gnomAD exomes 0.00001 and 0.00002; gnomAD 0.00011; TOPMed 0.00016.
gnomAD v4.1: 27 of 1,598,228 alleles (0.0017%); highest among the groups gnomAD compares: Admixed American, 0.033%; no homozygotes.

Submissions (3):

GeneDx
Classification: Uncertain significance. Last evaluated: 2024-07-21. Review status: criteria provided, single submitter. Criteria: GeneDx Variant Classification Process June 2021. Collection method: clinical testing. Allele origin: germline. Affected: yes.
Comment: Not observed at significant frequency in large population cohorts (gnomAD); In silico analysis indicates that this missense variant does not alter protein structure/function; Has not been previously published as pathogenic or benign to our knowledge

Ambry Genetics
Classification: Uncertain significance for Inborn genetic diseases. Last evaluated: 2023-09-20. Review status: criteria provided, single submitter. Criteria: Ambry Variant Classification Scheme 2023. Collection method: clinical testing. Allele origin: germline.

Labcorp Genetics (formerly Invitae), Labcorp
Classification: Uncertain significance for Neonatal-onset encephalopathy with rigidity and seizures. Last evaluated: 2020-02-27. Review status: criteria provided, single submitter. Criteria: Invitae Variant Classification Sherloc (09022015). Collection method: clinical testing. Allele origin: germline.
Comment: In summary, the available evidence is currently insufficient to determine the role of this variant in disease. Therefore, it has been classified as a Variant of Uncertain Significance. Algorithms developed to predict the effect of missense changes on protein structure and function output the following: SIFT: "Deleterious"; PolyPhen-2: "Benign"; Align-GVGD: "Class C25". The valine amino acid residue is found in multiple mammalian species, suggesting that this missense change does not adversely affect protein function. These predictions have not been confirmed by published functional studies and their clinical significance is uncertain. This variant has not been reported in the literature in individuals with BRAT1-related conditions. This variant is present in population databases (rs749821730, ExAC 0.006%). This sequence change replaces isoleucine with valine at codon 599 of the BRAT1 protein (p.Ile599Val). The isoleucine residue is highly conserved and there is a small physicochemical difference between isoleucine and valine.

NM_152743.4(BRAT1):c.1795A>G (p.Ile599Val)

Gene: BRAT1 (BRCA1 associated ATM activator 1; minus strand). Cytogenetic location: 7p22.3.
Variant type: single nucleotide variant.
Coding change: c.1795A>G on transcript NM_152743.4 (MANE Select); coding-DNA position 1795, A replaced by G.
Protein change: p.Ile599Val; replaces isoleucine 599 with valine.
Molecular consequence: missense variant. On other transcripts: non-coding transcript variant (1).
Genome position (GRCh38, 1-based): chr7:2,538,740, T>C on the plus strand (A>G on the coding strand, the complement: BRAT1 is on the minus strand). VCF-style: chr7-2538740-T-C. GRCh37 (hg19) VCF-style: chr7-2578374-T-C.
Other names: c.1975A>G, p.Ile659Val (NM_001350626.2); c.1270A>G, p.Ile424Val (NM_001350627.2); short protein forms I424V, I599V, I659V.
Identifiers: ClinVar variation 839149 (VCV000839149.10), dbSNP rs749821730, ClinGen allele CA4127558.